The following is an entry in ClinVar:

NC_000001.10:g.(?_156106692)_(156107554_?)del

Gene: LMNA (lamin A/C; plus strand). Cytogenetic location: 1q22.
Variant type: Deletion.
Identifiers: ClinVar variation 2427463 (VCV002427463.3).

ClinVar aggregate classification (germline): Pathogenic (1 of 4 stars; one submission).

Conditions:
Charcot-Marie-Tooth disease type 2. Also called: Charcot-Marie-Tooth type 2. Identifiers: Orphanet 64746, MedGen C0270914, MONDO:0018993.

Submission:

Labcorp Genetics (formerly Invitae), Labcorp
Classification: Pathogenic for Charcot-Marie-Tooth disease type 2. Last evaluated: 2023-03-19. Review status: criteria provided, single submitter. Criteria: Invitae Variant Classification Sherloc (09022015). Collection method: clinical testing. Allele origin: germline.
Comment: For these reasons, this variant has been classified as Pathogenic. This variant disrupts a region of the LMNA protein in which other variant(s) (p.Arg471His) have been determined to be pathogenic (PMID: 18646565, 22177269, 23582089, 27532257, 29943882). This suggests that this is a clinically significant region of the protein, and that variants that disrupt it are likely to be disease-causing. This variant has not been reported in the literature in individuals affected with LMNA-related conditions. This variant is a gross deletion of the genomic region encompassing exon(s) 8-10 of the LMNA gene. This variant would be expected to be in-frame, preserving the integrity of the reading frame.

Literature cited by the submitters: PubMed 18646565; PubMed 22177269; PubMed 23582089; PubMed 27532257; PubMed 29943882.